The following is an entry in ClinVar:

ClinVar aggregate classification (germline): Pathogenic. Review status: criteria provided, multiple submitters, no conflicts (2 of 4 stars). 9 submissions from 9 submitters: Pathogenic (8). 1 of the submissions does not count toward it. Last evaluated 2026-02-13.

Conditions:
Galactosemia. Also called: Galactose intolerance. Identifiers: Orphanet 352, MedGen C0016952, MONDO:0018116, HP:0004919. Disease mechanism: loss of function.
Deficiency of UDPglucose-hexose-1-phosphate uridylyltransferase. Also called: GALACTOSE-1-PHOSPHATE URIDYLYLTRANSFERASE DEFICIENCY; GALT deficiency; Galactosemia, classic; Transferase Deficiency Galactosemia; GALACTOSEMIA I. Identifiers: Orphanet 352, Orphanet 79239, MedGen C0268151, MONDO:0009258, OMIM 230400.

Allele frequency attached by ClinVar (database versions not stated): TOPMed below 0.00001.
gnomAD v4.1: 4 of 1,614,188 alleles (0.00025%); highest among the groups gnomAD compares: Admixed American, 0.0067%; no homozygotes.

Submissions (9):

GeneDx
Classification: Pathogenic. Last evaluated: 2026-02-13. Review status: criteria provided, single submitter. Criteria: GeneDx Variant Classification Process June 2021. Collection method: clinical testing. Allele origin: germline.
Comment: Heterozygous in a patient who had an abnormal newborn screening result consistent with classic galactosemia who was also homozgous for the Duarte 2 allele and heterozygous for another variant that is classified at GeneDx as likely benign (PMID: 11754113); Nonsense variant predicted to result in protein truncation or nonsense mediated decay in a gene for which loss of function is a known mechanism of disease; Not observed at significant frequency in large population cohorts (gnomAD); This variant is associated with the following publications: (PMID: 25525159, 22944367, 28374897, 19224951, Lopez-Uriarte2021[CaseReport], 11754113)

Labcorp Genetics (formerly Invitae), Labcorp
Classification: Pathogenic for Deficiency of UDPglucose-hexose-1-phosphate uridylyltransferase. Last evaluated: 2025-10-18. Review status: criteria provided, single submitter. Criteria: Invitae Variant Classification Sherloc (09022015). Collection method: clinical testing. Allele origin: germline.
Comment: This sequence change creates a premature translational stop signal (p.Gln207*) in the GALT gene. It is expected to result in an absent or disrupted protein product. Loss-of-function variants in GALT are known to be pathogenic (PMID: 22944367). This variant is present in population databases (rs111033743, gnomAD 0.01%). This premature translational stop signal has been observed in individual(s) with galactosemia (PMID: 11754113, 19224951). ClinVar contains an entry for this variant (Variation ID: 25230). Algorithms developed to predict the effect of sequence changes on RNA splicing suggest that this variant may disrupt the consensus splice site. For these reasons, this variant has been classified as Pathogenic.

Natera, Inc.
Classification: Pathogenic for Galactosemia. Last evaluated: 2025-10-15. Review status: criteria provided, single submitter. Criteria: Natera Variant Classification Schema (03/2026). Collection method: clinical testing. Allele origin: germline.
Comment: The c.619C>T variant in GALT is a nonsense variant predicted to introduce a stop codon at amino acid 207. This variant is expected to result in nonsense mediated decay, truncation, or a dysfunctional protein product. This variant is rare in the general population with a frequency below the threshold expected for the associated phenotype(s). This variant has been observed in one or more individuals affected with the associated recessive disease, as either homozygous or compound heterozygous with a second variant (PMID: 19224951). Given the available evidence, this variant is classified as Pathogenic.

ARUP Laboratories, Molecular Genetics and Genomics, ARUP Laboratories
Classification: Pathogenic for Deficiency of UDPglucose-hexose-1-phosphate uridylyltransferase. Last evaluated: 2024-08-07. Review status: criteria provided, single submitter. Criteria: ARUP Molecular Germline Variant Investigation Process 2024. Collection method: clinical testing. Allele origin: germline.
Comment: The GALT c.619C>T; p.Gln207Ter variant (rs111033743) is reported in the literature in multiple individuals affected with classic galactosemia, often found in cis with a Duarte variant (Carney 2009, Yang 2002). This variant is also reported in ClinVar (Variation ID: 25230). This variant is found in the Latino population with an allele frequency of 0.012% (4/34,590 alleles) in the Genome Aggregation Database. This variant induces an early termination codon and is predicted to result in a truncated protein or mRNA subject to nonsense-mediated decay. Based on available information, this variant is considered to be pathogenic. References: Carney AE et al. Origins, distribution and expression of the Duarte-2 (D2) allele of galactose-1-phosphate uridylyltransferase. Hum Mol Genet. 2009 May 1;18(9):1624-32. PMID: 19224951. Yang YP et al. Molecular analysis in newborns from Texas affected with galactosemia. Hum Mutat. 2002 Jan;19(1):82-3. PMID: 11754113.

Mayo Clinic Laboratories, Mayo Clinic
Classification: Pathogenic. Last evaluated: 2024-06-03. Review status: criteria provided, single submitter. Criteria: ACMG Guidelines, 2015. Collection method: clinical testing. Allele origin: germline.
Comment: PP4, PM2_moderate, PVS1

Baylor Genetics
Classification: Pathogenic for Deficiency of UDPglucose-hexose-1-phosphate uridylyltransferase. Last evaluated: 2024-01-09. Review status: criteria provided, single submitter. Criteria: ACMG Guidelines, 2015. Collection method: clinical testing. Allele origin: unknown.

Women's Health and Genetics/Laboratory Corporation of America, LabCorp
Classification: Pathogenic for Deficiency of UDPglucose-hexose-1-phosphate uridylyltransferase. Last evaluated: 2022-02-07. Review status: criteria provided, single submitter. Criteria: LabCorp Variant Classification Summary - May 2015. Collection method: clinical testing. Allele origin: germline.
Comment: Variant summary: GALT c.619C>T (p.Gln207X) results in a premature termination codon, predicted to cause a truncation of the encoded protein or absence of the protein due to nonsense mediated decay, which are commonly known mechanisms for disease. Truncations downstream of this position have been classified as pathogenic by our laboratory. The variant allele was found at a frequency of 1.6e-05 in 251584 control chromosomes. c.619C>T has been reported in the literature in individuals affected with Galactosemia (Yang_2002, Carney_2009, Lopez-Uriarte_2021). To our knowledge, no experimental evidence demonstrating an impact on protein function has been reported. Three clinical diagnostic laboratories have submitted clinical-significance assessments for this variant to ClinVar after 2014 without evidence for independent evaluation. All laboratories classified the variant as pathogenic/likely pathogenic. Based on the evidence outlined above, the variant was classified as pathogenic.

Eurofins Ntd Llc (ga)
Classification: Pathogenic. Last evaluated: 2016-10-04. Review status: criteria provided, single submitter. Criteria: EGL Classification Definitions 2015. Collection method: clinical testing. Allele origin: germline. Observed: 2 variant alleles, 2 heterozygotes.

Counsyl
Classification: Likely pathogenic for Deficiency of UDPglucose-hexose-1-phosphate uridylyltransferase. Last evaluated: 2017-05-26. Review status: no assertion criteria provided. Collection method: clinical testing. Allele origin: unknown. Not counted in ClinVar's aggregate classification.

Literature cited by the submitters: PubMed 22944367 (cited by Labcorp Genetics (formerly Invitae), Labcorp); PubMed 11754113 (cited by 4 submitters); PubMed 19224951 (cited by 5 submitters); PubMed 25525159 (cited by Women's Health and Genetics/Laboratory Corporation of America, LabCorp).

NM_000155.4(GALT):c.619C>T (p.Gln207Ter)

Gene: GALT (galactose-1-phosphate uridylyltransferase; plus strand). Cytogenetic location: 9p13.3.
Variant type: single nucleotide variant.
Coding change: c.619C>T on transcript NM_000155.4 (MANE Select); coding-DNA position 619, C replaced by T.
Protein change: p.Gln207Ter; replaces glutamine 207 with a stop codon.
Molecular consequence: nonsense.
Genome position (GRCh38, 1-based): chr9:34,648,388, C>T. VCF-style: chr9-34648388-C-T. GRCh37 (hg19) VCF-style: chr9-34648385-C-T.
Other names: p.Gln207*; c.292C>T, p.Gln98Ter (NM_001258332.2); short protein forms Q207*, Q98*.
Identifiers: ClinVar variation 25230 (VCV000025230.23), dbSNP rs111033743, ClinGen allele CA259455.